The following is an entry in ClinVar:

ClinVar aggregate classification (germline): Conflicting classifications of pathogenicity. Review status: criteria provided, conflicting classifications (1 of 4 stars). 2 submissions from 2 submitters: Likely pathogenic (1); Uncertain significance (1). Last evaluated 2026-05-26.

Conditions:
Colorectal cancer, hereditary nonpolyposis, type 7. Identifiers: Orphanet 144, MedGen C1858380, MONDO:0013725, OMIM 614385.

Allele frequency attached by ClinVar (database versions not stated): gnomAD exomes 0.00005 and 0.00003; gnomAD 0.00007; TOPMed 0.00009; ExAC 0.00001.
gnomAD v4.1: 26 of 1,614,086 alleles (0.0016%); highest among the groups gnomAD compares: Admixed American, 0.037%; no homozygotes.

Submissions (2):

Ambry Genetics
Classification: Likely pathogenic. Last evaluated: 2026-05-26. Review status: criteria provided, single submitter. Criteria: Ambry Variant Classification Scheme 2023. Collection method: clinical testing. Allele origin: germline.
Comment: The p.E28* variant (also known as c.82G>T), located in coding exon 1 of the MLH3 gene, results from a G to T substitution at nucleotide position 82. This changes the amino acid from a glutamic acid to a stop codon within coding exon 1. This variant has been identified in the homozygous state in individual(s) with features consistent with MLH3-associated polyposis (Ambry internal data). This alteration is expected to result in loss of function by premature protein truncation or nonsense-mediated mRNA decay. As such, this alteration is interpreted as a disease-causing mutation.

Labcorp Genetics (formerly Invitae), Labcorp
Classification: Uncertain significance for Colorectal cancer, hereditary nonpolyposis, type 7. Last evaluated: 2023-10-14. Review status: criteria provided, single submitter. Criteria: Invitae Variant Classification Sherloc (09022015). Collection method: clinical testing. Allele origin: germline.
Comment: This sequence change creates a premature translational stop signal (p.Glu28*) in the MLH3 gene. It is expected to result in an absent or disrupted protein product. However, the current clinical and genetic evidence is not sufficient to establish whether loss-of-function variants in MLH3 cause disease. This variant is present in population databases (rs780501758, gnomAD 0.04%), and has an allele count higher than expected for a pathogenic variant. This premature translational stop signal has been observed in individual(s) with hereditary breast and ovarian cancer (PMID: 31921681). ClinVar contains an entry for this variant (Variation ID: 1382180). In summary, the available evidence is currently insufficient to determine the role of this variant in disease. Therefore, it has been classified as a Variant of Uncertain Significance.

Literature cited by the submitters: PubMed 31921681 (cited by Labcorp Genetics (formerly Invitae), Labcorp).

NM_001040108.2(MLH3):c.82G>T (p.Glu28Ter)

Gene: MLH3 (mutL homolog 3; minus strand). Cytogenetic location: 14q24.3.
Variant type: single nucleotide variant.
Coding change: c.82G>T on transcript NM_001040108.2 (MANE Select); coding-DNA position 82, G replaced by T.
Protein change: p.Glu28Ter; replaces glutamic acid 28 with a stop codon.
Molecular consequence: nonsense.
Genome position (GRCh38, 1-based): chr14:75,049,574, C>A on the plus strand (G>T on the coding strand, the complement: MLH3 is on the minus strand). VCF-style: chr14-75049574-C-A. GRCh37 (hg19) VCF-style: chr14-75516277-C-A.
Other names: c.82G>T, p.Glu28Ter (NM_014381.3); short protein forms E28*.
Identifiers: ClinVar variation 1382180 (VCV001382180.12), dbSNP rs780501758, ClinGen allele CA7276097.